The following is an entry in ClinVar:

NM_000545.8(HNF1A):c.1819dup (p.Gln607fs)

Genes: C12orf43 (chromosome 12 open reading frame 43; minus strand), HNF1A (HNF1 homeobox A; plus strand). Cytogenetic location: 12q24.31.
Variant type: Duplication.
Coding change: c.1819dup on transcript NM_000545.8 (MANE Select); coding-DNA position 1819, one base duplicated (C; older notation c.1819dupC).
Protein change: p.Gln607fs; shifts the reading frame from glutamine 607.
Molecular consequence: frameshift variant. On other transcripts: 3 prime UTR variant (3).
Genome position (GRCh38, 1-based): chr12:121,001,115, C duplicated; the last of 2 consecutive C bases (chr12:121,001,114-121,001,115); duplicating either gives the same sequence. VCF-style (leftmost placement, unchanged base first): chr12-121001113-G-GC. GRCh37 (hg19) VCF-style: chr12-121438916-G-GC.
Other names: NM_000545.8(HNF1A):c.1819dup; p.Gln607fs; c.1819dupC (NM_000545.5); c.*3039dup (NM_001286191.2, NM_001286196.2, NM_022895.3); c.1840dup, p.Gln614fs (NM_001306179.2); c.1627dup, p.Gln543fs (NM_001406915.1); short protein forms Q607fs, Q614fs, Q543fs.
Identifiers: ClinVar variation 438709 (VCV000438709.7), dbSNP rs1555212747, ClinGen allele CA645509328.

ClinVar aggregate classification (germline): Uncertain significance. Review status: reviewed by expert panel (3 of 4 stars). 3 submissions from 3 submitters: Uncertain significance (1). 2 of the submissions do not count toward it. Last evaluated 2025-10-03.

Conditions:
Monogenic diabetes. Identifiers: Orphanet 183625, MedGen C3888631, MONDO:0015967.
Maturity-onset diabetes of the young (MODY). Also called: Maturity onset diabetes mellitus in young. Identifiers: Orphanet 552, MedGen C0342276, MONDO:0018911, HP:0004904.
Maturity-onset diabetes of the young type 3. Also called: MODY type 3; MODY, type III. Identifiers: Orphanet 552, MedGen C1838100, MeSH C563933, MONDO:0010894, OMIM 600496. Disease mechanism: loss of function.

Submissions (3):

ClinGen Monogenic Diabetes Variant Curation Expert Panel
Classification: Uncertain significance for Monogenic diabetes. Last evaluated: 2025-10-03. Review status: reviewed by expert panel. Criteria: ClinGen Diabetes ACMG Specifications HNF1A V3.0.0. Collection method: curation. Allele origin: germline. Inheritance: Autosomal dominant inheritance.
Comment: The c.1819dup variant in the HNF1 homeobox A gene, HNF1A, causes a frameshift in the protein at codon 607, adding 42 novel amino acids before encountering a stop codon (p.(Gln607ProfsTer42) of NM_000545.8. While this variant, located in exon 10 of 10, is not predicted to result in nonsense mediated decay of the transcript, it will significantly disrupt the transactivation domain of the protein and add 16 additional amino acids to the end of the protein (PVS1_Strong). Additionally, this variant is absent from gnomAD v4.1.0 (PM2_Supporting). In summary, c.1819dup meets the criteria to be classified as a variant of uncertain significance for monogenic diabetes. ACMG/AMP criteria applied, as specified by the ClinGen MDEP (specification version 3.0.0, approved 6/30/2025): PVS1_Strong, PM2_Supporting.

Clinical Genomics, Uppaluri K&H Personalized Medicine Clinic
Classification: Uncertain significance for Maturity-onset diabetes of the young. Review status: criteria provided, single submitter. Criteria: K & H Uppaluri Personalized Medicine Clinic Variant Classification & Assertion Criteria_Updated V.1. Collection method: research. Allele origin: unknown. Inheritance: Autosomal dominant inheritance. Not counted in ClinVar's aggregate classification.
Comment: Mutations in HNF1A gene can predispose to MODY3. It is associated with both micro and macrovascular complications of diabetes, especially cardiovascular complications. Associated with glucosuria. May respond well to sulfonylureas. However, more evidence is required to confer the association of this particular variant rs1555212747 with MODY3.

Bioscientia Institut fuer Medizinische Diagnostik GmbH, Sonic Healthcare
Classification: Pathogenic for Maturity-onset diabetes of the young type 3. Last evaluated: 2017-04-20. Review status: no assertion criteria provided. Collection method: clinical testing. Allele origin: germline. Affected: yes. Not counted in ClinVar's aggregate classification.

Literature cited by the submitters: PubMed 31517624 (cited by Clinical Genomics, Uppaluri K&H Personalized Medicine Clinic); PubMed 32395877 (cited by Clinical Genomics, Uppaluri K&H Personalized Medicine Clinic); PubMed 35328643 (cited by Clinical Genomics, Uppaluri K&H Personalized Medicine Clinic); PubMed 35673428 (cited by Clinical Genomics, Uppaluri K&H Personalized Medicine Clinic).